The following is an entry in ClinVar:

NM_001243133.2(NLRP3):c.2140T>C (p.Cys714Arg)

Gene: NLRP3 (NLR family pyrin domain containing 3; plus strand). Cytogenetic location: 1q44.
Variant type: single nucleotide variant.
Coding change: c.2140T>C on transcript NM_001243133.2 (MANE Select); coding-DNA position 2140, T replaced by C.
Protein change: p.Cys714Arg; replaces cysteine 714 with arginine.
Molecular consequence: missense variant.
Genome position (GRCh38, 1-based): chr1:247,425,589, T>C. VCF-style: chr1-247425589-T-C. GRCh37 (hg19) VCF-style: chr1-247588891-T-C.
Other names: c.2140T>C, p.Cys714Arg (NM_001079821.3, NM_001127461.3, NM_001127462.3 and 1 more transcripts); c.2146T>C, p.Cys716Arg (NM_004895.5); short protein forms C714R, C716R.
Identifiers: ClinVar variation 1368788 (VCV001368788.8), dbSNP rs147296592, ClinGen allele CA1495120.

ClinVar aggregate classification (germline): Uncertain significance (1 of 4 stars; one submission).

Conditions:
Cryopyrin associated periodic syndrome (CAPS). Identifiers: Orphanet 208650, MedGen C2316212, MONDO:0016168.

Allele frequency attached by ClinVar (database versions not stated): ExAC 0.00001; gnomAD 0.00001; gnomAD exomes 0.00001; TOPMed 0.00001; ESP Exome Variant Server 0.00008.
gnomAD v4.1: 6 of 1,605,970 alleles (0.00037%); highest among the groups gnomAD compares: Non-Finnish European, 0.00051%; no homozygotes.

Submission:

Labcorp Genetics (formerly Invitae), Labcorp
Classification: Uncertain significance for Cryopyrin associated periodic syndrome. Last evaluated: 2022-09-14. Review status: criteria provided, single submitter. Criteria: Invitae Variant Classification Sherloc (09022015). Collection method: clinical testing. Allele origin: germline.
Comment: In summary, the available evidence is currently insufficient to determine the role of this variant in disease. Therefore, it has been classified as a Variant of Uncertain Significance. Algorithms developed to predict the effect of missense changes on protein structure and function (SIFT, PolyPhen-2, Align-GVGD) all suggest that this variant is likely to be tolerated. ClinVar contains an entry for this variant (Variation ID: 1368788). This variant has not been reported in the literature in individuals affected with NLRP3-related conditions. This variant is present in population databases (rs147296592, gnomAD 0.0009%). This sequence change replaces cysteine, which is neutral and slightly polar, with arginine, which is basic and polar, at codon 716 of the NLRP3 protein (p.Cys716Arg).